The following is an entry in ClinVar:

NM_002225.5(IVD):c.961-6G>A

Gene: IVD (isovaleryl-CoA dehydrogenase; plus strand). Cytogenetic location: 15q15.1.
Variant type: single nucleotide variant.
Coding change: c.961-6G>A on transcript NM_002225.5 (MANE Select); 6 bases into the intron before coding-DNA position 961, G replaced by A.
Molecular consequence: intron variant.
Genome position (GRCh38, 1-based): chr15:40,416,072, G>A. VCF-style: chr15-40416072-G-A. GRCh37 (hg19) VCF-style: chr15-40708271-G-A.
Other names: c.1048-6G>A (NM_001354600.3, NM_001354599.3); c.961-6G>A (NM_001354598.3, NM_001354601.3); c.913-6G>A (NM_001354597.3); c.871-6G>A (NM_001159508.3).
Identifiers: ClinVar variation 719294 (VCV000719294.11), dbSNP rs199783007, ClinGen allele CA7480825.

ClinVar aggregate classification (germline): Likely benign. Review status: criteria provided, multiple submitters, no conflicts (2 of 4 stars). 2 submissions from 2 submitters: Likely benign (2). Last evaluated 2026-08-03.

Conditions:
Isovaleryl-CoA dehydrogenase deficiency (IVA). Also called: Classic Isovaleric Acidemia; ISOVALERIC ACID CoA DEHYDROGENASE DEFICIENCY; IVD DEFICIENCY; Isovaleric acidemia. Identifiers: Orphanet 33, MedGen C0268575, MONDO:0009475, OMIM 243500.
IVD-related disorder. Also called: IVD-related condition.

Allele frequency attached by ClinVar (database versions not stated): ESP Exome Variant Server 0.00023; TOPMed 0.00027; gnomAD 0.00029 and 0.00030; gnomAD exomes 0.00043; ExAC 0.00061.
gnomAD v4.1: 566 of 1,613,948 alleles (0.035%); highest among the groups gnomAD compares: Non-Finnish European, 0.042%; 1 homozygote.

Submissions (2):

PreventionGenetics, part of Exact Sciences
Classification: Likely benign for IVD-related condition. Last evaluated: 2026-08-03. Review status: criteria provided, single submitter. Criteria: ACMG Guidelines, 2015. Collection method: clinical testing. Allele origin: germline.
Comment: This variant is classified as likely benign based on ACMG/AMP sequence variant interpretation guidelines (Richards et al. 2015 PMID: 25741868, with internal and published modifications).

Labcorp Genetics (formerly Invitae), Labcorp
Classification: Likely benign for Isovaleryl-CoA dehydrogenase deficiency. Last evaluated: 2026-01-14. Review status: criteria provided, single submitter. Criteria: Invitae Variant Classification Sherloc (09022015). Collection method: clinical testing. Allele origin: germline.